The following is an entry in ClinVar:

NM_213607.3(DNAAF19):c.473C>T (p.Ala158Val)

Gene: DNAAF19 (dynein axonemal assembly factor 19; plus strand). Cytogenetic location: 17q21.31.
Variant type: single nucleotide variant.
Coding change: c.473C>T on transcript NM_213607.3 (MANE Select); coding-DNA position 473, C replaced by T.
Protein change: p.Ala158Val; replaces alanine 158 with valine.
Molecular consequence: missense variant. On other transcripts: 3 prime UTR variant (3).
Genome position (GRCh38, 1-based): chr17:44,902,561, C>T. VCF-style: chr17-44902561-C-T. GRCh37 (hg19) VCF-style: chr17-42979929-C-T.
Other names: c.473C>T, p.Ala158Val (NM_001258395.2, NM_001258396.2); c.*223C>T (NM_001258397.3); c.*162C>T (NM_001258398.3, NM_001258399.2); c.473C>T (NM_213607.1); short protein forms A158V.
Identifiers: ClinVar variation 663687 (VCV000663687.10), dbSNP rs148834205, ClinGen allele CA8608381.

ClinVar aggregate classification (germline): Conflicting classifications of pathogenicity. Review status: criteria provided, conflicting classifications (1 of 4 stars). 4 submissions from 4 submitters: Uncertain significance (3); Likely benign (1). Last evaluated 2024-08-12.

Conditions:
Primary ciliary dyskinesia. Also called: Ciliary dyskinesia. Identifiers: Orphanet 244, MedGen C0008780, MONDO:0016575, HP:0012265.

Allele frequency attached by ClinVar (database versions not stated): gnomAD exomes 0.00001 and 0.00008; ExAC 0.00009; TOPMed 0.00020; gnomAD 0.00026 and 0.00028; ESP Exome Variant Server 0.00038.
gnomAD v4.1: 66 of 1,614,112 alleles (0.0041%); highest among the groups gnomAD compares: African/African-American, 0.073%; no homozygotes.

Submissions (4):

Blueprint Genetics
Classification: Uncertain significance. Last evaluated: 2024-08-12. Review status: criteria provided, single submitter. Criteria: ACMG Guidelines, 2015. Collection method: clinical testing. Allele origin: germline.

Ambry Genetics
Classification: Likely benign for Primary ciliary dyskinesia. Last evaluated: 2024-04-06. Review status: criteria provided, single submitter. Criteria: Ambry Variant Classification Scheme 2023. Collection method: clinical testing. Allele origin: germline.

Labcorp Genetics (formerly Invitae), Labcorp
Classification: Uncertain significance for Primary ciliary dyskinesia. Last evaluated: 2022-06-13. Review status: criteria provided, single submitter. Criteria: Invitae Variant Classification Sherloc (09022015). Collection method: clinical testing. Allele origin: germline.
Comment: This sequence change replaces alanine, which is neutral and non-polar, with valine, which is neutral and non-polar, at codon 158 of the CCDC103 protein (p.Ala158Val). This variant is present in population databases (rs148834205, gnomAD 0.1%). This variant has not been reported in the literature in individuals affected with CCDC103-related conditions. ClinVar contains an entry for this variant (Variation ID: 663687). Algorithms developed to predict the effect of missense changes on protein structure and function (SIFT, PolyPhen-2, Align-GVGD) all suggest that this variant is likely to be tolerated. In summary, the available evidence is currently insufficient to determine the role of this variant in disease. Therefore, it has been classified as a Variant of Uncertain Significance.

UNC Molecular Genetics  Laboratory, University of North Carolina at Chapel Hill
Classification: Uncertain significance for Primary ciliary dyskinesia. Last evaluated: 2018-07-30. Review status: criteria provided, single submitter. Criteria: ACMG Guidelines, 2015. Collection method: clinical testing. Allele origin: germline. Observed: 1 heterozygote.